The following is an entry in ClinVar:

ClinVar aggregate classification (germline): Conflicting classifications of pathogenicity. Review status: criteria provided, conflicting classifications (1 of 4 stars). 2 submissions from 2 submitters: Uncertain significance (1); Likely benign (1). Last evaluated 2025-01-01.

Allele frequency attached by ClinVar (database versions not stated): gnomAD 0.00001.
gnomAD v4.1: 7 of 1,192,901 alleles (0.00059%); highest among the groups gnomAD compares: Non-Finnish European, 0.00079%; no homozygotes.

Submissions (2):

CeGaT Center for Human Genetics Tuebingen
Classification: Likely benign. Last evaluated: 2025-01-01. Review status: criteria provided, single submitter. Criteria: CeGaT Center For Human Genetics Tuebingen Variant Classification Criteria Version 2. Collection method: clinical testing. Allele origin: germline. Affected: yes. Observed: 1 variant allele.
Comment: IRS4: BS2

Ambry Genetics
Classification: Uncertain significance. Last evaluated: 2021-08-13. Review status: criteria provided, single submitter. Criteria: Ambry Variant Classification Scheme 2023. Collection method: clinical testing. Allele origin: germline.

NM_001379150.1(IRS4):c.598G>C (p.Glu200Gln)

Gene: IRS4 (insulin receptor substrate 4; minus strand). Cytogenetic location: Xq22.3.
Variant type: single nucleotide variant.
Coding change: c.598G>C on transcript NM_001379150.1 (MANE Select); coding-DNA position 598, G replaced by C.
Protein change: p.Glu200Gln; replaces glutamic acid 200 with glutamine.
Molecular consequence: missense variant.
Genome position (GRCh38, 1-based): chrX:108,735,747, C>G on the plus strand (G>C on the coding strand, the complement: IRS4 is on the minus strand). VCF-style: chrX-108735747-C-G. GRCh37 (hg19) VCF-style: chrX-107978977-C-G.
Other names: c.598G>C, p.Glu200Gln (NM_003604.2); short protein forms E200Q.
Identifiers: ClinVar variation 2208516 (VCV002208516.15), dbSNP rs2068946379, ClinGen allele CA414210275.
Genomic context (GRCh38, chrX:108,735,747, plus strand): 5'-GCGCGGCCGGCTCTCCGTCCGGCTGCGCGCCGAGCGTGCCGCAGCGGCGGCGCTTGCTCT[C>G]GAGGATGAGGCGGCTGAGCAGCAAGTACCAGCTTTCCTGCTCCGACTCGTTCTCGGCCAC-3'
Protein context (NP_001366079.1, residues 190-210): WYLLLSRLIL[Glu200Gln]SKRRRCGTLG